The following is an entry in ClinVar:

ClinVar aggregate classification (germline): Pathogenic (1 of 4 stars; one submission).

Conditions:
Hereditary spastic paraplegia 15 (SPG15). Also called: SPASTIC PARAPLEGIA 15, AUTOSOMAL RECESSIVE; KJELLIN SYNDROME; SPASTIC PARAPLEGIA AND RETINAL DEGENERATION. Identifiers: Orphanet 100996, MedGen C1849128, MONDO:0010044, OMIM 270700.

Submission:

Myriad Genetics, Inc.
Classification: Pathogenic for Hereditary spastic paraplegia 15. Last evaluated: 2025-11-19. Review status: criteria provided, single submitter. Criteria: Myriad Autosomal Dominant, Autosomal Recessive and X-Linked Classification Criteria (2023). Collection method: clinical testing. Allele origin: unknown.
Comment: NM_015346.3(ZFYVE26):c.5855delA(H1952Pfs*3) is expected to be pathogenic in the context of spastic paraplegia type 15. This variant is predicted to lead to an abnormal or absent protein product due to the creation of a premature termination codon in ZFYVE26, a gene where loss-of-function variants are known to be pathogenic. Please note: this variant was assessed in the context of healthy population screening.

NM_015346.4(ZFYVE26):c.5855del (p.His1952fs)

Gene: ZFYVE26 (zinc finger FYVE-type containing 26; minus strand). Cytogenetic location: 14q24.1.
Variant type: Deletion.
Coding change: c.5855del on transcript NM_015346.4 (MANE Select); coding-DNA position 5855, one base deleted (A; older notation c.5855delA).
Protein change: p.His1952fs; shifts the reading frame from histidine 1952.
Molecular consequence: frameshift variant.
Genome position (GRCh38, 1-based): chr14:67,766,383, T deleted on the plus strand (A on the coding strand, the reverse complement: ZFYVE26 is on the minus strand). VCF-style (leftmost placement, unchanged base first): chr14-67766382-GT-G. GRCh37 (hg19) VCF-style: chr14-68233099-GT-G.
Other names: short protein forms H1952fs.
Identifiers: ClinVar variation 5015239 (VCV005015239.1).